The following is an entry in ClinVar:

NM_001844.5(COL2A1):c.91G>A (p.Ala31Thr)

Gene: COL2A1 (collagen type II alpha 1 chain; minus strand). Cytogenetic location: 12q13.11.
Variant type: single nucleotide variant.
Coding change: c.91G>A on transcript NM_001844.5 (MANE Select); coding-DNA position 91, G replaced by A.
Protein change: p.Ala31Thr; replaces alanine 31 with threonine.
Molecular consequence: missense variant. On other transcripts: intron variant (1).
Genome position (GRCh38, 1-based): chr12:48,000,120, C>T on the plus strand (G>A on the coding strand, the complement: COL2A1 is on the minus strand). VCF-style: chr12-48000120-C-T. GRCh37 (hg19) VCF-style: chr12-48393903-C-T.
Other names: c.86-1689G>A (NM_033150.3); short protein forms A31T.
Identifiers: ClinVar variation 2707662 (VCV002707662.3), dbSNP rs2540187936, ClinGen allele CA384526851.

ClinVar aggregate classification (germline): Uncertain significance (1 of 4 stars; one submission).

Submission:

Labcorp Genetics (formerly Invitae), Labcorp
Classification: Uncertain significance. Last evaluated: 2024-01-04. Review status: criteria provided, single submitter. Criteria: Invitae Variant Classification Sherloc (09022015). Collection method: clinical testing. Allele origin: germline.
Comment: This sequence change replaces alanine, which is neutral and non-polar, with threonine, which is neutral and polar, at codon 31 of the COL2A1 protein (p.Ala31Thr). This variant is not present in population databases (gnomAD no frequency). This variant has not been reported in the literature in individuals affected with COL2A1-related conditions. Advanced modeling of protein sequence and biophysical properties (such as structural, functional, and spatial information, amino acid conservation, physicochemical variation, residue mobility, and thermodynamic stability) performed at Invitae indicates that this missense variant is not expected to disrupt COL2A1 protein function with a negative predictive value of 95%. In summary, the available evidence is currently insufficient to determine the role of this variant in disease. Therefore, it has been classified as a Variant of Uncertain Significance.